The following is an entry in ClinVar:

ClinVar aggregate classification (germline): Uncertain significance. Review status: criteria provided, multiple submitters, no conflicts (2 of 4 stars). 2 submissions from 2 submitters: Uncertain significance (2). Last evaluated 2024-03-15.

Conditions:
Usher syndrome type 3B. Also called: USHER SYNDROME, TYPE IIIB. Identifiers: MedGen C3281066, MONDO:0013788, OMIM 614504.

gnomAD v4.1: 4 of 1,599,640 alleles (0.00025%); highest among the groups gnomAD compares: Non-Finnish European, 0.00034%; no homozygotes.

Submissions (2):

Labcorp Genetics (formerly Invitae), Labcorp
Classification: Uncertain significance for Usher syndrome type 3B. Last evaluated: 2024-03-15. Review status: criteria provided, single submitter. Criteria: Invitae Variant Classification Sherloc (09022015). Collection method: clinical testing. Allele origin: germline.
Comment: This sequence change replaces leucine, which is neutral and non-polar, with arginine, which is basic and polar, at codon 30 of the HARS protein (p.Leu30Arg). This variant is not present in population databases (gnomAD no frequency). This variant has not been reported in the literature in individuals affected with HARS-related conditions. ClinVar contains an entry for this variant (Variation ID: 1317154). An algorithm developed to predict the effect of missense changes on protein structure and function (PolyPhen-2) suggests that this variant is likely to be tolerated. In summary, the available evidence is currently insufficient to determine the role of this variant in disease. Therefore, it has been classified as a Variant of Uncertain Significance.

GeneDx
Classification: Uncertain significance. Last evaluated: 2019-07-10. Review status: criteria provided, single submitter. Criteria: GeneDx Variant Classification Process June 2021. Collection method: clinical testing. Allele origin: germline. Affected: yes.
Comment: Not observed in large population cohorts (Lek et al., 2016); In silico analysis, which includes protein predictors and evolutionary conservation, supports that this variant does not alter protein structure/function; Has not been previously published as pathogenic or benign to our knowledge; Predicted to be within the WHEP-TRS domain of the protein.

NM_002109.6(HARS1):c.89T>G (p.Leu30Arg)

Genes: HARS1 (histidyl-tRNA synthetase 1; minus strand), LOC129994848 (ATAC-STARR-seq lymphoblastoid active region 23285; plus strand). Cytogenetic location: 5q31.3.
Variant type: single nucleotide variant.
Coding change: c.89T>G on transcript NM_002109.6 (MANE Select); coding-DNA position 89, T replaced by G.
Protein change: p.Leu30Arg; replaces leucine 30 with arginine.
Molecular consequence: missense variant. On other transcripts: intron variant (1).
Genome position (GRCh38, 1-based): chr5:140,691,216, A>C on the plus strand (T>G on the coding strand, the complement: HARS1 is on the minus strand). VCF-style: chr5-140691216-A-C. GRCh37 (hg19) VCF-style: chr5-140070801-A-C.
Other names: c.89T>G, p.Leu30Arg (NM_001258040.3, NM_001258041.3, NM_001258042.3 and 2 more transcripts); c.3+86T>G (NM_001289094.2); short protein forms L30R.
Identifiers: ClinVar variation 1317154 (VCV001317154.4), dbSNP rs2149845950, ClinGen allele CA361191608.
Genomic context (GRCh38, chr5:140,691,216, plus strand): 5'-CTGGCTTTACGTCCTCCCAGGCTTTGCCTTGGCCCTCTCCCCTGCTGCCTAAATCTCACC[A>C]GCTCGGCGCTGGCCTTCTGCTGCTTGAGGCCTCGCACGCGCTCTCCCTGAAGTTTCACCA-3'
Protein context (NP_002100.2, residues 20-40): GLKQQKASAE[Leu30Arg]IEEEVAKLLK